The following is an entry in ClinVar:

ClinVar aggregate classification (germline): Pathogenic. Review status: criteria provided, multiple submitters, no conflicts (2 of 4 stars). 4 submissions from 4 submitters: Pathogenic (3). 1 of the submissions does not count toward it. Last evaluated 2026-02-27.

Conditions:
Hereditary cancer-predisposing syndrome. Also called: Tumor predisposition; Neoplastic Syndromes, Hereditary; Hereditary Cancer Syndrome; Hereditary neoplastic syndrome. Identifiers: Orphanet 140162, MedGen C0027672, MeSH D009386, MONDO:0015356.
Familial cancer of breast. Also called: BREAST CANCER, FAMILIAL; Hereditary breast cancer; hereditary breast carcinoma. Identifiers: Orphanet 227535, MedGen C0346153, MONDO:0016419, OMIM 114480. Disease mechanism: loss of function.
Ataxia-telangiectasia syndrome (AT). Also called: Cerebello-oculocutaneous telangiectasia; Immunodeficiency with ataxia telangiectasia; ATAXIA-TELANGIECTASIA, COMPLEMENTATION GROUP A; ATAXIA-TELANGIECTASIA, FRESNO VARIANT; Ataxia-telangiectasia; Ataxia-telangiectasia, complementation group D. Identifiers: Orphanet 100, MedGen C0004135, MONDO:0008840, OMIM 208900.
Mantle cell lymphoma. Identifiers: Orphanet 52416, MedGen C4721414, MONDO:0018876.

Submissions (4):

Ambry Genetics
Classification: Pathogenic for Hereditary cancer-predisposing syndrome. Last evaluated: 2026-02-27. Review status: criteria provided, single submitter. Criteria: Ambry Variant Classification Scheme 2023. Collection method: clinical testing. Allele origin: germline.
Comment: The p.Q1361* pathogenic mutation (also known as c.4081C>T), located in coding exon 26 of the ATM gene, results from a C to T substitution at nucleotide position 4081. This changes the amino acid from a glutamine to a stop codon within coding exon 26. This variant is considered to be rare based on population cohorts in the Genome Aggregation Database (gnomAD). This alteration is expected to result in loss of function by premature protein truncation or nonsense-mediated mRNA decay. As such, this alteration is interpreted as a disease-causing mutation.

Myriad Genetics, Inc.
Classification: Pathogenic for Familial cancer of breast. Last evaluated: 2024-01-23. Review status: criteria provided, single submitter. Criteria: Myriad Autosomal Dominant, Autosomal Recessive and X-Linked Classification Criteria (2023). Collection method: clinical testing. Allele origin: unknown.
Comment: This variant is considered pathogenic. This variant creates a termination codon and is predicted to result in premature protein truncation.

Labcorp Genetics (formerly Invitae), Labcorp
Classification: Pathogenic for Ataxia-telangiectasia syndrome. Last evaluated: 2022-10-05. Review status: criteria provided, single submitter. Criteria: Invitae Variant Classification Sherloc (09022015). Collection method: clinical testing. Allele origin: germline.
Comment: This sequence change creates a premature translational stop signal (p.Gln1361*) in the ATM gene. It is expected to result in an absent or disrupted protein product. Loss-of-function variants in ATM are known to be pathogenic (PMID: 23807571, 25614872). This variant is not present in population databases (gnomAD no frequency). This variant has not been reported in the literature in individuals affected with ATM-related conditions. ClinVar contains an entry for this variant (Variation ID: 3041). For these reasons, this variant has been classified as Pathogenic.

OMIM
Classification: Pathogenic for MANTLE CELL LYMPHOMA, SOMATIC. Last evaluated: 2000-03-14. Review status: no assertion criteria provided. Collection method: literature only. Allele origin: somatic. Not counted in ClinVar's aggregate classification.

Literature cited by the submitters: PubMed 23807571 (cited by Labcorp Genetics (formerly Invitae), Labcorp); PubMed 25614872 (cited by Labcorp Genetics (formerly Invitae), Labcorp); PubMed 10706620 (cited by OMIM).

NM_000051.4(ATM):c.4081C>T (p.Gln1361Ter)

Gene: ATM (ATM serine/threonine kinase; plus strand). Cytogenetic location: 11q22.3.
Variant type: single nucleotide variant.
Coding change: c.4081C>T on transcript NM_000051.4 (MANE Select); coding-DNA position 4081, C replaced by T.
Protein change: p.Gln1361Ter; replaces glutamine 1361 with a stop codon.
Molecular consequence: nonsense.
Genome position (GRCh38, 1-based): chr11:108,287,687, C>T. VCF-style: chr11-108287687-C-T. GRCh37 (hg19) VCF-style: chr11-108158414-C-T.
Other names: c.4081C>T, p.Gln1361Ter (NM_001351834.2); short protein forms Q1361*.
Identifiers: ClinVar variation 3041 (VCV000003041.7), dbSNP rs121434222, ClinGen allele CA249428.